The following is an entry in ClinVar:

NM_018122.5(DARS2):c.260A>G (p.Asp87Gly)

Gene: DARS2 (aspartyl-tRNA synthetase 2, mitochondrial; plus strand). Cytogenetic location: 1q25.1.
Variant type: single nucleotide variant.
Coding change: c.260A>G on transcript NM_018122.5 (MANE Select); coding-DNA position 260, A replaced by G.
Protein change: p.Asp87Gly; replaces aspartic acid 87 with glycine.
Molecular consequence: missense variant.
Genome position (GRCh38, 1-based): chr1:173,828,365, A>G. VCF-style: chr1-173828365-A-G. GRCh37 (hg19) VCF-style: chr1-173797503-A-G.
Other names: c.260A>G (NM_018122.4); c.260A>G, p.Asp87Gly (NM_001365212.1, NM_001365213.2); short protein forms D87G.
Identifiers: ClinVar variation 1463639 (VCV001463639.7), dbSNP rs149598381, ClinGen allele CA1250079.

ClinVar aggregate classification (germline): Conflicting classifications of pathogenicity. Review status: criteria provided, conflicting classifications (1 of 4 stars). 4 submissions from 4 submitters: Uncertain significance (2); Likely benign (1). 1 of the submissions does not count toward it. Last evaluated 2024-10-10.

Conditions:
DARS2-related disorder. Also called: DARS2-related condition.
Inborn genetic diseases. Identifiers: MedGen C0950123, MeSH D030342.

Allele frequency attached by ClinVar (database versions not stated): gnomAD exomes 0.00010 and 0.00022; gnomAD 0.00011 and 0.00015; ExAC 0.00021; 1000 Genomes Project 0.00040; 1000 Genomes Project 30x 0.00047; ESP Exome Variant Server 0.00015.
gnomAD v4.1: 167 of 1,482,724 alleles (0.011%); highest among the groups gnomAD compares: East Asian, 0.16%; no homozygotes.

Submissions (4):

Blueprint Genetics
Classification: Uncertain significance. Last evaluated: 2024-10-10. Review status: criteria provided, single submitter. Criteria: ACMG Guidelines, 2015. Collection method: clinical testing. Allele origin: germline.

Ambry Genetics
Classification: Likely benign for Inborn genetic diseases. Last evaluated: 2022-12-01. Review status: criteria provided, single submitter. Criteria: Ambry Variant Classification Scheme 2023. Collection method: clinical testing. Allele origin: germline.

Labcorp Genetics (formerly Invitae), Labcorp
Classification: Uncertain significance. Last evaluated: 2022-01-03. Review status: criteria provided, single submitter. Criteria: Invitae Variant Classification Sherloc (09022015). Collection method: clinical testing. Allele origin: germline.
Comment: This sequence change replaces aspartic acid, which is acidic and polar, with glycine, which is neutral and non-polar, at codon 87 of the DARS2 protein (p.Asp87Gly). This variant is present in population databases (rs149598381, gnomAD 0.2%). This variant has not been reported in the literature in individuals affected with DARS2-related conditions. Algorithms developed to predict the effect of missense changes on protein structure and function (SIFT, PolyPhen-2, Align-GVGD) all suggest that this variant is likely to be tolerated. Algorithms developed to predict the effect of sequence changes on RNA splicing suggest that this variant may create or strengthen a splice site. In summary, the available evidence is currently insufficient to determine the role of this variant in disease. Therefore, it has been classified as a Variant of Uncertain Significance.

PreventionGenetics, part of Exact Sciences
Classification: Likely benign for DARS2-related condition. Last evaluated: 2022-04-06. Review status: no assertion criteria provided. Collection method: clinical testing. Allele origin: germline. Not counted in ClinVar's aggregate classification.
Comment: This variant is classified as likely benign based on ACMG/AMP sequence variant interpretation guidelines (Richards et al. 2015 PMID: 25741868, with internal and published modifications).